The following is an entry in ClinVar:

ClinVar aggregate classification (germline): Benign (1 of 4 stars; one submission).

Conditions:
Melanoma-pancreatic cancer syndrome. Identifiers: Orphanet 404560, MedGen C1838547, MONDO:0011713, OMIM 606719. Disease mechanism: loss of function.

Submission:

Myriad Genetics, Inc.
Classification: Benign for Melanoma-pancreatic cancer syndrome. Last evaluated: 2025-08-13. Review status: criteria provided, single submitter. Criteria: Myriad Autosomal Dominant, Autosomal Recessive and X-Linked Classification Criteria (2023). Collection method: clinical testing. Allele origin: unknown.
Comment: This variant is considered benign. This variant is a silent/synonymous amino acid change and it is not expected to impact splicing.

NM_000077.5(CDKN2A):c.9G>C (p.Pro3=)

Genes: CDKN2A (cyclin dependent kinase inhibitor 2A; minus strand), LOC130001603 (ATAC-STARR-seq lymphoblastoid silent region 19811; plus strand). Cytogenetic location: 9p21.3.
Variant type: single nucleotide variant.
Coding change: c.9G>C on transcript NM_000077.5; coding-DNA position 9, G replaced by C.
Protein change: p.Pro3=; no amino-acid change (proline 3 retained).
Molecular consequence: synonymous variant (on NM_000077.6). On other transcripts: intron variant (2).
Genome position (GRCh38, 1-based): chr9:21,974,819, C>G on the plus strand (G>C on the coding strand, the complement: CDKN2A is on the minus strand). VCF-style: chr9-21974819-C-G. GRCh37 (hg19) VCF-style: chr9-21974818-C-G.
Other names: c.9G>C, p.Pro3= (NM_000077.6, NM_001195132.2, NM_058197.5); c.-3-3611G>C (NM_001363763.2); c.194-3611G>C (NM_058195.4).
Identifiers: ClinVar variation 4294105 (VCV004294105.1).